The following is an entry in ClinVar:

NM_033064.5(ATCAY):c.*806A>G

Gene: ATCAY (ATCAY kinesin light chain interacting caytaxin; plus strand). Cytogenetic location: 19p13.3.
Variant type: single nucleotide variant.
Coding change: c.*806A>G on transcript NM_033064.5 (MANE Select); 806 bases downstream of the stop codon, A replaced by G.
Molecular consequence: 3 prime UTR variant.
Genome position (GRCh38, 1-based): chr19:3,925,398, A>G. VCF-style: chr19-3925398-A-G. GRCh37 (hg19) VCF-style: chr19-3925396-A-G.
Identifiers: ClinVar variation 329168 (VCV000329168.5), dbSNP rs73919392, ClinGen allele CA10648689.

ClinVar aggregate classification (germline): Benign (1 of 4 stars; one submission).

Conditions:
Cayman type cerebellar ataxia. Also called: Cayman ataxia. Identifiers: Orphanet 94122, MedGen C1832585, MONDO:0011025, OMIM 601238.

Allele frequency attached by ClinVar (database versions not stated): gnomAD 0.02842 and 0.03009; TOPMed 0.03132; 1000 Genomes Project 0.03375; 1000 Genomes Project 30x 0.03748.

Submission:

Illumina Laboratory Services, Illumina
Classification: Benign for Cayman type cerebellar ataxia. Last evaluated: 2018-01-12. Review status: criteria provided, single submitter. Criteria: ICSL Variant Classification Criteria 13 December 2019. Collection method: clinical testing. Allele origin: germline.
Comment: This variant was observed in the ICSL laboratory as part of a predisposition screen in an ostensibly healthy population. It had not been previously curated by ICSL or reported in the Human Gene Mutation Database (HGMD: prior to June 1st, 2018), and was therefore a candidate for classification through an automated scoring system. Utilizing variant allele frequency, disease prevalence and penetrance estimates, and inheritance mode, an automated score was calculated to assess if this variant is too frequent to cause the disease. Based on the score and internal cut-off values, a variant classified as benign is not then subjected to further curation. The score for this variant resulted in a classification of benign for this disease.